The following is an entry in ClinVar:

ClinVar aggregate classification (germline): Uncertain significance. Review status: criteria provided, multiple submitters, no conflicts (2 of 4 stars). 2 submissions from 2 submitters: Uncertain significance (2). Last evaluated 2026-01-05.

Submissions (2):

Labcorp Genetics (formerly Invitae), Labcorp
Classification: Uncertain significance. Last evaluated: 2026-01-05. Review status: criteria provided, single submitter. Criteria: Invitae Variant Classification Sherloc (09022015). Collection method: clinical testing. Allele origin: germline.
Comment: This sequence change replaces isoleucine, which is neutral and non-polar, with valine, which is neutral and non-polar, at codon 214 of the RHO protein (p.Ile214Val). This variant is not present in population databases (gnomAD no frequency). This variant has not been reported in the literature in individuals affected with RHO-related conditions. ClinVar contains an entry for this variant (Variation ID: 3705734). Invitae Evidence Modeling of protein sequence and biophysical properties (such as structural, functional, and spatial information, amino acid conservation, physicochemical variation, residue mobility, and thermodynamic stability) indicates that this missense variant is not expected to disrupt RHO protein function with a negative predictive value of 95%. In summary, the available evidence is currently insufficient to determine the role of this variant in disease. Therefore, it has been classified as a Variant of Uncertain Significance.

Blueprint Genetics
Classification: Uncertain significance. Last evaluated: 2024-03-22. Review status: criteria provided, single submitter. Criteria: ACMG Guidelines, 2015. Collection method: clinical testing. Allele origin: germline.

NM_000539.3(RHO):c.640A>G (p.Ile214Val)

Gene: RHO (rhodopsin; plus strand). Cytogenetic location: 3q22.1.
Variant type: single nucleotide variant.
Coding change: c.640A>G on transcript NM_000539.3 (MANE Select); coding-DNA position 640, A replaced by G.
Protein change: p.Ile214Val; replaces isoleucine 214 with valine.
Molecular consequence: missense variant.
Genome position (GRCh38, 1-based): chr3:129,532,360, A>G. VCF-style: chr3-129532360-A-G. GRCh37 (hg19) VCF-style: chr3-129251203-A-G.
Other names: short protein forms I214V.
Identifiers: ClinVar variation 3705734 (VCV003705734.3).